The following is an entry in ClinVar:

ClinVar aggregate classification (germline): Uncertain significance (1 of 4 stars; one submission).

Allele frequency attached by ClinVar (database versions not stated): TOPMed below 0.00001; ExAC 0.00002; gnomAD exomes 0.00002; ESP Exome Variant Server 0.00008.
gnomAD v4.1: 30 of 1,568,924 alleles (0.0019%); highest among the groups gnomAD compares: Non-Finnish European, 0.0026%; no homozygotes.

Submission:

Labcorp Genetics (formerly Invitae), Labcorp
Classification: Uncertain significance. Last evaluated: 2022-11-10. Review status: criteria provided, single submitter. Criteria: Invitae Variant Classification Sherloc (09022015). Collection method: clinical testing. Allele origin: germline.
Comment: This variant has not been reported in the literature in individuals affected with GINS1-related conditions. This variant is present in population databases (rs370853877, gnomAD 0.005%). This sequence change replaces valine, which is neutral and non-polar, with isoleucine, which is neutral and non-polar, at codon 161 of the GINS1 protein (p.Val161Ile). In summary, the available evidence is currently insufficient to determine the role of this variant in disease. Therefore, it has been classified as a Variant of Uncertain Significance. Algorithms developed to predict the effect of missense changes on protein structure and function output the following: SIFT: "Not Available"; PolyPhen-2: "Benign"; Align-GVGD: "Not Available". The isoleucine amino acid residue is found in multiple mammalian species, which suggests that this missense change does not adversely affect protein function.

NM_021067.5(GINS1):c.481G>A (p.Val161Ile)

Gene: GINS1 (GINS complex subunit 1; plus strand). Cytogenetic location: 20p11.21.
Variant type: single nucleotide variant.
Coding change: c.481G>A on transcript NM_021067.5 (MANE Select); coding-DNA position 481, G replaced by A.
Protein change: p.Val161Ile; replaces valine 161 with isoleucine.
Molecular consequence: missense variant. On other transcripts: non-coding transcript variant (1).
Genome position (GRCh38, 1-based): chr20:25,441,735, G>A. VCF-style: chr20-25441735-G-A. GRCh37 (hg19) VCF-style: chr20-25422371-G-A.
Other names: c.364G>A, p.Val122Ile (NM_001410830.1); c.226G>A, p.Val76Ile (NM_001410831.1); short protein forms V122I, V161I, V76I.
Identifiers: ClinVar variation 2965315 (VCV002965315.3), dbSNP rs370853877, ClinGen allele CA9796567.